The following is an entry in ClinVar:

ClinVar aggregate classification (germline): Uncertain significance (1 of 4 stars; one submission).

Conditions:
Inborn genetic diseases. Identifiers: MedGen C0950123, MeSH D030342.

Submission:

Ambry Genetics
Classification: Uncertain significance for Inborn genetic diseases. Last evaluated: 2026-08-12. Review status: criteria provided, single submitter. Criteria: Ambry Variant Classification Scheme 2023. Collection method: clinical testing. Allele origin: germline.
Comment: The p.H41D variant (also known as c.121C>G), located in coding exon 1 of the ANKRD26 gene, results from a C to G substitution at nucleotide position 121. The histidine at codon 41 is replaced by aspartic acid, an amino acid with similar properties. This amino acid position is conserved. In addition, this alteration is predicted to be tolerated by in silico analysis. Based on the available evidence, the clinical significance of this variant remains unclear.

NM_014915.3(ANKRD26):c.121C>G (p.His41Asp)

Genes: ANKRD26 (ankyrin repeat domain 26; minus strand), LOC130003554 (ATAC-STARR-seq lymphoblastoid silent region 2243; plus strand). Cytogenetic location: 10p12.1.
Variant type: single nucleotide variant.
Coding change: c.121C>G on transcript NM_014915.3 (MANE Select); coding-DNA position 121, C replaced by G.
Protein change: p.His41Asp; replaces histidine 41 with aspartic acid.
Molecular consequence: missense variant.
Genome position (GRCh38, 1-based): chr10:27,100,206, G>C on the plus strand (C>G on the coding strand, the complement: ANKRD26 is on the minus strand). VCF-style: chr10-27100206-G-C. GRCh37 (hg19) VCF-style: chr10-27389135-G-C.
Other names: c.121C>G, p.His41Asp (NM_001256053.2); short protein forms H41D.
Identifiers: ClinVar variation 5023529 (VCV005023529.1).